The following is an entry in ClinVar:

NM_001371986.1(UNC80):c.9945G>A (p.Thr3315=)

Gene: UNC80 (unc-80 subunit of NALCN channel complex; plus strand). Cytogenetic location: 2q34.
Variant type: single nucleotide variant.
Coding change: c.9945G>A on transcript NM_001371986.1 (MANE Select); coding-DNA position 9945, G replaced by A.
Protein change: p.Thr3315=; no amino-acid change (threonine 3315 retained).
Molecular consequence: synonymous variant.
Genome position (GRCh38, 1-based): chr2:209,995,565, G>A. VCF-style: chr2-209995565-G-A. GRCh37 (hg19) VCF-style: chr2-210860289-G-A.
Other names: c.9747G>A, p.Thr3249= (NM_032504.2); c.9675G>A, p.Thr3225= (NM_182587.4).
Identifiers: ClinVar variation 713048 (VCV000713048.14), dbSNP rs141603698, ClinGen allele CA2083728.

ClinVar aggregate classification (germline): Benign. Review status: criteria provided, multiple submitters, no conflicts (2 of 4 stars). 3 submissions from 3 submitters: Benign (2). 1 of the submissions does not count toward it. Last evaluated 2026-01-21.

Conditions:
UNC80-related disorder. Also called: UNC80-related condition.

Allele frequency attached by ClinVar (database versions not stated): gnomAD 0.00200 and 0.00289; gnomAD exomes 0.00282 and 0.00602; ExAC 0.00305; TOPMed 0.00309; 1000 Genomes Project 30x 0.00859; 1000 Genomes Project 0.00938.
gnomAD v4.1: 4,381 of 1,552,058 alleles (0.28%); highest among the groups gnomAD compares: East Asian, 8.8%; 177 homozygotes.

Submissions (3):

Labcorp Genetics (formerly Invitae), Labcorp
Classification: Benign. Last evaluated: 2026-01-21. Review status: criteria provided, single submitter. Criteria: Invitae Variant Classification Sherloc (09022015). Collection method: clinical testing. Allele origin: germline.

Breakthrough Genomics
Classification: Benign. Review status: criteria provided, single submitter. Criteria: ACMG Guidelines, 2015. Collection method: not provided. Allele origin: germline. Inheritance: Autosomal recessive inheritance. Affected: yes.

PreventionGenetics, part of Exact Sciences
Classification: Benign for UNC80-related condition. Last evaluated: 2019-05-10. Review status: no assertion criteria provided. Collection method: clinical testing. Allele origin: germline. Not counted in ClinVar's aggregate classification.
Comment: This variant is classified as benign based on ACMG/AMP sequence variant interpretation guidelines (Richards et al. 2015 PMID: 25741868, with internal and published modifications).